The following is an entry in ClinVar:

ClinVar aggregate classification (germline): Conflicting classifications of pathogenicity. Review status: criteria provided, conflicting classifications (1 of 4 stars). 2 submissions from 2 submitters: Likely pathogenic (1); Uncertain significance (1). Last evaluated 2024-01-02.

Conditions:
Early-infantile DEE. Also called: Early infantile epileptic encephalopathy; Ohtahara syndrome; Early infantile epileptic encephalopathy with suppression bursts. Identifiers: Orphanet 1934, MedGen C0393706, MONDO:0800491.
Seizures, benign familial neonatal, 1. Also called: KCNQ2-Related Benign Familial Neonatal Epilepsy; KCNQ2-Related Self-Limited Familial Neonatal Epilepsy (SLFNE); Benign Neonatal Epilepsy 1; Seizures, benign neonatal, 1. Identifiers: Orphanet 1949, MedGen C3149074, MONDO:0007365, OMIM 121200.
Developmental and epileptic encephalopathy, 7 (DEE7). Also called: KCNQ2-Related Neonatal Epileptic Encephalopathy; KCNQ2-Related Neonatal-Onset Developmental and Epileptic Encephalopathy (NEO-DEE); Early infantile epileptic encephalopathy 7. Identifiers: Orphanet 439218, MedGen C3150986, MONDO:0013387, OMIM 613720.

Submissions (2):

Labcorp Genetics (formerly Invitae), Labcorp
Classification: Uncertain significance for Early-infantile DEE. Last evaluated: 2024-01-02. Review status: criteria provided, single submitter. Criteria: Invitae Variant Classification Sherloc (09022015). Collection method: clinical testing. Allele origin: germline.
Comment: This sequence change falls in intron 15 of the KCNQ2 gene. It does not directly change the encoded amino acid sequence of the KCNQ2 protein. It affects a nucleotide within the consensus splice site. This variant is not present in population databases (gnomAD no frequency). This variant has been observed in individual(s) with clinical features of KCNQ2-related conditions (Invitae). ClinVar contains an entry for this variant (Variation ID: 1326321). Variants that disrupt the consensus splice site are a relatively common cause of aberrant splicing (PMID: 17576681, 9536098). Algorithms developed to predict the effect of sequence changes on RNA splicing suggest that this variant may disrupt the consensus splice site. In summary, the available evidence is currently insufficient to determine the role of this variant in disease. Therefore, it has been classified as a Variant of Uncertain Significance.

Center for Molecular Medicine, Children’s Hospital of Fudan University
Classification: Likely pathogenic for Seizures, benign familial neonatal, 1; Developmental and epileptic encephalopathy, 7. Last evaluated: 2021-11-01. Review status: criteria provided, single submitter. Criteria: ACMG Guidelines, 2015. Collection method: clinical testing. Allele origin: unknown. Affected: yes.

Literature cited by the submitters: PubMed 17576681 (cited by Labcorp Genetics (formerly Invitae), Labcorp); PubMed 9536098 (cited by Labcorp Genetics (formerly Invitae), Labcorp).

NM_172107.4(KCNQ2):c.1763+4A>G

Gene: KCNQ2 (potassium voltage-gated channel subfamily Q member 2; minus strand). Cytogenetic location: 20q13.33.
Variant type: single nucleotide variant.
Coding change: c.1763+4A>G on transcript NM_172107.4 (MANE Select); 4 bases into the intron after coding-DNA position 1763, A replaced by G.
Molecular consequence: intron variant.
Genome position (GRCh38, 1-based): chr20:63,413,446, T>C on the plus strand (A>G on the coding strand, the complement: KCNQ2 is on the minus strand). VCF-style: chr20-63413446-T-C. GRCh37 (hg19) VCF-style: chr20-62044799-T-C.
Other names: c.1679+4A>G (NM_004518.6); c.1670+4A>G (NM_172108.5); c.1709+4A>G (NM_172106.3, NM_001382235.1).
Identifiers: ClinVar variation 1326321 (VCV001326321.9), dbSNP rs2145541064, ClinGen allele CA2573054903.